The following is an entry in ClinVar:

NM_000535.7(PMS2):c.954T>A (p.Tyr318Ter)

Gene: PMS2 (PMS1 homolog 2, mismatch repair system component; minus strand). Cytogenetic location: 7p22.1.
Variant type: single nucleotide variant.
Coding change: c.954T>A on transcript NM_000535.7 (MANE Select); coding-DNA position 954, T replaced by A.
Protein change: p.Tyr318Ter; replaces tyrosine 318 with a stop codon.
Molecular consequence: nonsense. On other transcripts: non-coding transcript variant (1).
Genome position (GRCh38, 1-based): chr7:5,992,007, A>T on the plus strand (T>A on the coding strand, the complement: PMS2 is on the minus strand). VCF-style: chr7-5992007-A-T. GRCh37 (hg19) VCF-style: chr7-6031638-A-T.
Other names: c.549T>A, p.Tyr183Ter (NM_001322003.2, NM_001322004.2, NM_001322005.2 and 2 more transcripts); c.954T>A, p.Tyr318Ter (NM_001322006.2, NM_001322014.2); c.636T>A, p.Tyr212Ter (NM_001322007.2, NM_001322008.2); c.21T>A, p.Tyr7Ter (NM_001322011.2, NM_001322012.2); c.381T>A, p.Tyr127Ter (NM_001322013.2); c.645T>A, p.Tyr215Ter (NM_001322015.2); short protein forms Y7*, Y183*, Y212*, Y215*, Y318*, Y127*.
Identifiers: ClinVar variation 1356456 (VCV001356456.6), dbSNP rs2128755485, ClinGen allele CA366743125.

ClinVar aggregate classification (germline): Pathogenic (1 of 4 stars; one submission).

Conditions:
Hereditary nonpolyposis colorectal neoplasms. Identifiers: MedGen C0009405, MeSH D003123.

Submission:

Labcorp Genetics (formerly Invitae), Labcorp
Classification: Pathogenic for Hereditary nonpolyposis colorectal neoplasms. Last evaluated: 2021-10-12. Review status: criteria provided, single submitter. Criteria: Invitae Variant Classification Sherloc (09022015). Collection method: clinical testing. Allele origin: germline.
Comment: This variant has not been reported in the literature in individuals with PMS2-related conditions. This sequence change creates a premature translational stop signal (p.Tyr318*) in the PMS2 gene. It is expected to result in an absent or disrupted protein product. Loss-of-function variants in PMS2 are known to be pathogenic (PMID: 21376568, 24362816). This variant is not present in population databases (ExAC no frequency). For these reasons, this variant has been classified as Pathogenic.

Literature cited by the submitters: PubMed 21376568; PubMed 24362816.